The following is an entry in ClinVar:

NM_006944.3(SPP2):c.514G>A (p.Glu172Lys)

Gene: SPP2 (secreted phosphoprotein 2; plus strand). Cytogenetic location: 2q37.1.
Variant type: single nucleotide variant.
Coding change: c.514G>A on transcript NM_006944.3 (MANE Select); coding-DNA position 514, G replaced by A.
Protein change: p.Glu172Lys; replaces glutamic acid 172 with lysine.
Molecular consequence: missense variant.
Genome position (GRCh38, 1-based): chr2:234,067,238, G>A. VCF-style: chr2-234067238-G-A. GRCh37 (hg19) VCF-style: chr2-234975882-G-A.
Other names: short protein forms E172K.
Identifiers: ClinVar variation 842410 (VCV000842410.7), dbSNP rs147173896, ClinGen allele CA2183245.
Genomic context (GRCh38, chr2:234,067,238, plus strand): 5'-GGAACAGTGAGAGGAGTCTTGTCTTATGATTATTACTGTGTTACAGGTCTCATTTCAGAC[G>A]AGTCCATAAGTGAACAATTTTATGATCGGTCACTTGGTAAGTGATTTCTTTCCTGCTGTG-3'
Protein context (NP_008875.1, residues 162-182): NNYLFGLISD[Glu172Lys]SISEQFYDRS

ClinVar aggregate classification (germline): Uncertain significance (1 of 4 stars; one submission).

Allele frequency attached by ClinVar (database versions not stated): gnomAD exomes 0.00002 and 0.00005; ExAC 0.00004; gnomAD 0.00009; TOPMed 0.00014; ESP Exome Variant Server 0.00023.
gnomAD v4.1: 39 of 1,613,812 alleles (0.0024%); highest among the groups gnomAD compares: African/African-American, 0.036%; no homozygotes.

Submission:

Labcorp Genetics (formerly Invitae), Labcorp
Classification: Uncertain significance. Last evaluated: 2024-11-04. Review status: criteria provided, single submitter. Criteria: Invitae Variant Classification Sherloc (09022015). Collection method: clinical testing. Allele origin: germline.
Comment: This sequence change replaces glutamic acid, which is acidic and polar, with lysine, which is basic and polar, at codon 172 of the SPP2 protein (p.Glu172Lys). This variant is present in population databases (rs147173896, gnomAD 0.04%). This variant has not been reported in the literature in individuals affected with SPP2-related conditions. ClinVar contains an entry for this variant (Variation ID: 842410). An algorithm developed to predict the effect of missense changes on protein structure and function outputs the following: PolyPhen-2: "Benign". The lysine amino acid residue is found in multiple mammalian species, which suggests that this missense change does not adversely affect protein function. In summary, the available evidence is currently insufficient to determine the role of this variant in disease. Therefore, it has been classified as a Variant of Uncertain Significance.